The following is an entry in ClinVar:

NM_000051.4(ATM):c.751G>T (p.Val251Leu)

Gene: ATM (ATM serine/threonine kinase; plus strand). Cytogenetic location: 11q22.3.
Variant type: single nucleotide variant.
Coding change: c.751G>T on transcript NM_000051.4 (MANE Select); coding-DNA position 751, G replaced by T.
Protein change: p.Val251Leu; replaces valine 251 with leucine.
Molecular consequence: missense variant.
Genome position (GRCh38, 1-based): chr11:108,244,876, G>T. VCF-style: chr11-108244876-G-T. GRCh37 (hg19) VCF-style: chr11-108115603-G-T.
Other names: c.751G>T, p.Val251Leu (NM_001351834.2); short protein forms V251L.
Identifiers: ClinVar variation 3676510 (VCV003676510.2).
Genomic context (GRCh38, chr11:108,244,876, plus strand): 5'-CATATCTTAGCAGCTCTTACTATCTTCCTCAAGACTTTGGCTGTCAACTTTCGAATTCGA[G>T]TGTGTGAATTAGGAGATGAAATTCTTCCCACTTTGCTTTATATTTGGACTCAACATAGGC-3'
Protein context (NP_000042.3, residues 241-261): KTLAVNFRIR[Val251Leu]CELGDEILPT

ClinVar aggregate classification (germline): Uncertain significance (1 of 4 stars; one submission).

Conditions:
Ataxia-telangiectasia syndrome (AT). Also called: LOUIS-BAR SYNDROME; ATAXIA-TELANGIECTASIA, COMPLEMENTATION GROUP A; ATAXIA-TELANGIECTASIA, FRESNO VARIANT; Ataxia-telangiectasia, complementation group D; AT, COMPLEMENTATION GROUP C; Ataxia-telangiectasia. Identifiers: Orphanet 100, MedGen C0004135, MONDO:0008840, OMIM 208900.

Submission:

Labcorp Genetics (formerly Invitae), Labcorp
Classification: Uncertain significance for Ataxia-telangiectasia syndrome. Last evaluated: 2024-06-25. Review status: criteria provided, single submitter. Criteria: Invitae Variant Classification Sherloc (09022015). Collection method: clinical testing. Allele origin: germline.
Comment: This sequence change replaces valine, which is neutral and non-polar, with leucine, which is neutral and non-polar, at codon 251 of the ATM protein (p.Val251Leu). This variant is not present in population databases (gnomAD no frequency). This variant has not been reported in the literature in individuals affected with ATM-related conditions. An algorithm developed to predict the effect of missense changes on protein structure and function (PolyPhen-2) suggests that this variant is likely to be tolerated. In summary, the available evidence is currently insufficient to determine the role of this variant in disease. Therefore, it has been classified as a Variant of Uncertain Significance.